The following is an entry in ClinVar:

ClinVar aggregate classification (germline): Uncertain significance (1 of 4 stars; one submission).

Allele frequency attached by ClinVar (database versions not stated): gnomAD exomes below 0.00001; gnomAD 0.00001.

Submission:

Labcorp Genetics (formerly Invitae), Labcorp
Classification: Uncertain significance. Last evaluated: 2023-07-17. Review status: criteria provided, single submitter. Criteria: Invitae Variant Classification Sherloc (09022015). Collection method: clinical testing. Allele origin: germline.
Comment: This sequence change replaces arginine, which is basic and polar, with cysteine, which is neutral and slightly polar, at codon 96 of the TCIRG1 protein (p.Arg96Cys). This variant is not present in population databases (gnomAD no frequency). This variant has not been reported in the literature in individuals affected with TCIRG1-related conditions. ClinVar contains an entry for this variant (Variation ID: 1387064). Advanced modeling of protein sequence and biophysical properties (such as structural, functional, and spatial information, amino acid conservation, physicochemical variation, residue mobility, and thermodynamic stability) performed at Invitae indicates that this missense variant is not expected to disrupt TCIRG1 protein function. Algorithms developed to predict the effect of sequence changes on RNA splicing suggest that this variant may create or strengthen a splice site. In summary, the available evidence is currently insufficient to determine the role of this variant in disease. Therefore, it has been classified as a Variant of Uncertain Significance.

NM_006019.4(TCIRG1):c.286C>T (p.Arg96Cys)

Gene: TCIRG1 (T cell immune regulator 1, ATPase H+ transporting V0 subunit a3; plus strand). Cytogenetic location: 11q13.2.
Variant type: single nucleotide variant.
Coding change: c.286C>T on transcript NM_006019.4 (MANE Select); coding-DNA position 286, C replaced by T.
Protein change: p.Arg96Cys; replaces arginine 96 with cysteine.
Molecular consequence: missense variant. On other transcripts: 5 prime UTR variant (1).
Genome position (GRCh38, 1-based): chr11:68,042,732, C>T. VCF-style: chr11-68042732-C-T. GRCh37 (hg19) VCF-style: chr11-67810199-C-T.
Other names: c.-964C>T (NM_001351059.2); short protein forms R96C.
Identifiers: ClinVar variation 1387064 (VCV001387064.4), dbSNP rs1694891924, ClinGen allele CA381575732.